The following is an entry in ClinVar:

ClinVar aggregate classification (germline): Uncertain significance (1 of 4 stars; one submission).

Submission:

GeneDx
Classification: Uncertain significance. Last evaluated: 2024-05-16. Review status: criteria provided, single submitter. Criteria: GeneDx Variant Classification Process June 2021. Collection method: clinical testing. Allele origin: germline. Affected: yes.
Comment: Not observed at significant frequency in large population cohorts (gnomAD); In silico analysis indicates that this missense variant does not alter protein structure/function; Has not been previously published as pathogenic or benign to our knowledge

NM_002430.3(MN1):c.2857G>C (p.Val953Leu)

Gene: MN1 (MN1 proto-oncogene, transcriptional regulator; minus strand). Cytogenetic location: 22q12.1.
Variant type: single nucleotide variant.
Coding change: c.2857G>C on transcript NM_002430.3 (MANE Select); coding-DNA position 2857, G replaced by C.
Protein change: p.Val953Leu; replaces valine 953 with leucine.
Molecular consequence: missense variant.
Genome position (GRCh38, 1-based): chr22:27,797,687, C>G on the plus strand (G>C on the coding strand, the complement: MN1 is on the minus strand). VCF-style: chr22-27797687-C-G. GRCh37 (hg19) VCF-style: chr22-28193675-C-G.
Other names: short protein forms V953L.
Identifiers: ClinVar variation 3378320 (VCV003378320.1).